The following is an entry in ClinVar:

ClinVar aggregate classification (germline): Benign (1 of 4 stars; one submission).

Allele frequency attached by ClinVar (database versions not stated): 1000 Genomes Project 0.74521; 1000 Genomes Project 30x 0.75578; gnomAD 0.78055 and 0.78759; TOPMed 0.79816.
gnomAD v4.1: 118,829 of 152,208 alleles (78%); highest among the groups gnomAD compares: African/African-American, 92%; 47,301 homozygotes.

Submission:

GeneDx
Classification: Benign. Last evaluated: 2016-05-05. Review status: criteria provided, single submitter. Criteria: GeneDx Variant Classification (06012015). Collection method: clinical testing. Allele origin: germline. Affected: yes.
Comment: This variant is considered likely benign or benign based on one or more of the following criteria: it is a conservative change, it occurs at a poorly conserved position in the protein, it is predicted to be benign by multiple in silico algorithms, and/or has population frequency not consistent with disease.

NM_020975.6(RET):c.73+9201C>T

Genes: MCS+9.7 (RET intron 1 enhancer; plus strand), RET (ret proto-oncogene; plus strand), LOC110121502 (VISTA enhancer hs2326; plus strand). Cytogenetic location: 10q11.21.
Variant type: single nucleotide variant.
Coding change: c.73+9201C>T on transcript NM_020975.6 (MANE Select); 9201 bases into the intron after coding-DNA position 73, C replaced by T.
Molecular consequence: intron variant.
Genome position (GRCh38, 1-based): chr10:43,086,532, C>T. VCF-style: chr10-43086532-C-T. GRCh37 (hg19) VCF-style: chr10-43581980-C-T.
Other names: c.73+9201C>T (NM_020630.7, NM_001406743.1, NM_001406744.1 and 36 more transcripts).
Identifiers: ClinVar variation 378478 (VCV000378478.3), dbSNP rs2506005, ClinGen allele CA13347199.